The following is an entry in ClinVar:

ClinVar aggregate classification (germline): Uncertain significance (1 of 4 stars; one submission).

Submission:

Labcorp Genetics (formerly Invitae), Labcorp
Classification: Uncertain significance. Last evaluated: 2022-06-26. Review status: criteria provided, single submitter. Criteria: Invitae Variant Classification Sherloc (09022015). Collection method: clinical testing. Allele origin: germline.
Comment: Algorithms developed to predict the effect of missense changes on protein structure and function are either unavailable or do not agree on the potential impact of this missense change (SIFT: "Deleterious"; PolyPhen-2: "Probably Damaging"; Align-GVGD: "Class C0"). In summary, the available evidence is currently insufficient to determine the role of this variant in disease. Therefore, it has been classified as a Variant of Uncertain Significance. This variant has not been reported in the literature in individuals affected with SON-related conditions. This variant is not present in population databases (gnomAD no frequency). This sequence change replaces histidine, which is basic and polar, with arginine, which is basic and polar, at codon 939 of the SON protein (p.His939Arg).

NM_138927.4(SON):c.2816A>G (p.His939Arg)

Gene: SON (SON DNA and RNA binding protein; plus strand). Cytogenetic location: 21q22.11.
Variant type: single nucleotide variant.
Coding change: c.2816A>G on transcript NM_138927.4 (MANE Select); coding-DNA position 2816, A replaced by G.
Protein change: p.His939Arg; replaces histidine 939 with arginine.
Molecular consequence: missense variant. On other transcripts: non-coding transcript variant (1), intron variant (1).
Genome position (GRCh38, 1-based): chr21:33,552,047, A>G. VCF-style: chr21-33552047-A-G. GRCh37 (hg19) VCF-style: chr21-34924353-A-G.
Other names: c.2816A>G, p.His939Arg (NM_001291411.2, NM_001412133.1, NM_032195.3 and 2 more transcripts); c.245-5109A>G (NM_001291412.3); short protein forms H939R.
Identifiers: ClinVar variation 2010807 (VCV002010807.4), dbSNP rs2517365825, ClinGen allele CA410158822.